The following is an entry in ClinVar:

NM_004859.4(CLTC):c.4576G>C (p.Glu1526Gln)

Genes: CLTC (clathrin heavy chain; plus strand), LOC125177523 (Sharpr-MPRA regulatory region 12460; plus strand). Cytogenetic location: 17q23.1.
Variant type: single nucleotide variant.
Coding change: c.4576G>C on transcript NM_004859.4 (MANE Select); coding-DNA position 4576, G replaced by C.
Protein change: p.Glu1526Gln; replaces glutamic acid 1526 with glutamine.
Molecular consequence: missense variant.
Genome position (GRCh38, 1-based): chr17:59,685,197, G>C. VCF-style: chr17-59685197-G-C. GRCh37 (hg19) VCF-style: chr17-57762558-G-C.
Other names: c.4588G>C, p.Glu1530Gln (NM_001288653.2); short protein forms E1526Q, E1530Q.
Identifiers: ClinVar variation 4771035 (VCV004771035.1).

ClinVar aggregate classification (germline): Uncertain significance (1 of 4 stars; one submission).

Submission:

Labcorp Genetics (formerly Invitae), Labcorp
Classification: Uncertain significance. Last evaluated: 2025-04-13. Review status: criteria provided, single submitter. Criteria: Invitae Variant Classification Sherloc (09022015). Collection method: clinical testing. Allele origin: germline.
Comment: This sequence change replaces glutamic acid, which is acidic and polar, with glutamine, which is neutral and polar, at codon 1530 of the CLTC protein (p.Glu1530Gln). This variant is not present in population databases (gnomAD no frequency). This variant has not been reported in the literature in individuals affected with CLTC-related conditions. Invitae Evidence Modeling of protein sequence and biophysical properties (such as structural, functional, and spatial information, amino acid conservation, physicochemical variation, residue mobility, and thermodynamic stability) indicates that this missense variant is not expected to disrupt CLTC protein function with a negative predictive value of 80%. In summary, the available evidence is currently insufficient to determine the role of this variant in disease. Therefore, it has been classified as a Variant of Uncertain Significance.